The following is an entry in ClinVar:

NM_000154.2(GALK1):c.67G>T (p.Glu23Ter)

Gene: GALK1 (galactokinase 1; minus strand). Cytogenetic location: 17q25.1.
Variant type: single nucleotide variant.
Coding change: c.67G>T on transcript NM_000154.2 (MANE Select); coding-DNA position 67, G replaced by T.
Protein change: p.Glu23Ter; replaces glutamic acid 23 with a stop codon.
Molecular consequence: nonsense.
Genome position (GRCh38, 1-based): chr17:75,765,070, C>A on the plus strand (G>T on the coding strand, the complement: GALK1 is on the minus strand). VCF-style: chr17-75765070-C-A. GRCh37 (hg19) VCF-style: chr17-73761151-C-A.
Other names: c.67G>T, p.Glu23Ter (NM_001381985.1); short protein forms E23*.
Identifiers: ClinVar variation 1076192 (VCV001076192.7), dbSNP rs2143608501, ClinGen allele CA401110044.
Genomic context (GRCh38, chr17:75,765,070, plus strand): 5'-CCCCGATGAGGTTGACGCGGCCCGGCGCTGACACGGCCAGCTCGGGCTCGGCCCCGAACT[C>A]CTCCCGGAAGGCTCGCCGGGCCTCGGCCAGCAGCTCCGCGACCTGGGGCTGTCTCAAAGC-3'

ClinVar aggregate classification (germline): Pathogenic (1 of 4 stars; one submission).

Conditions:
Deficiency of galactokinase. Also called: Galactokinase deficiency with cataracts; GALACTOSEMIA II. Identifiers: Orphanet 352, Orphanet 79237, MedGen C0268155, MONDO:0009255, OMIM 230200.

Submission:

Labcorp Genetics (formerly Invitae), Labcorp
Classification: Pathogenic for Deficiency of galactokinase. Last evaluated: 2020-03-16. Review status: criteria provided, single submitter. Criteria: Invitae Variant Classification Sherloc (09022015). Collection method: clinical testing. Allele origin: germline.
Comment: This variant is not present in population databases (ExAC no frequency). This variant has not been reported in the literature in individuals with GALK1-related conditions. Loss-of-function variants in GALK1 are known to be pathogenic (PMID: 7670469, 10790206). For these reasons, this variant has been classified as Pathogenic. This sequence change creates a premature translational stop signal (p.Glu23*) in the GALK1 gene. It is expected to result in an absent or disrupted protein product.

Literature cited by the submitters: PubMed 7670469; PubMed 10790206.